The following is an entry in ClinVar:

NM_003737.4(DCHS1):c.5987A>G (p.Asn1996Ser)

Gene: DCHS1 (dachsous cadherin-related 1; minus strand). Cytogenetic location: 11p15.4.
Variant type: single nucleotide variant.
Coding change: c.5987A>G on transcript NM_003737.4 (MANE Select); coding-DNA position 5987, A replaced by G.
Protein change: p.Asn1996Ser; replaces asparagine 1996 with serine.
Molecular consequence: missense variant.
Genome position (GRCh38, 1-based): chr11:6,627,052, T>C on the plus strand (A>G on the coding strand, the complement: DCHS1 is on the minus strand). VCF-style: chr11-6627052-T-C. GRCh37 (hg19) VCF-style: chr11-6648283-T-C.
Other names: short protein forms N1996S.
Identifiers: ClinVar variation 3005834 (VCV003005834.3), dbSNP rs1332376848, ClinGen allele CA379390408.

ClinVar aggregate classification (germline): Uncertain significance (1 of 4 stars; one submission).

Allele frequency attached by ClinVar (database versions not stated): gnomAD 0.00001; gnomAD exomes 0.00001; TOPMed 0.00001.
gnomAD v4.1: 19 of 1,613,370 alleles (0.0012%); highest among the groups gnomAD compares: Non-Finnish European, 0.0014%; no homozygotes.

Submission:

Labcorp Genetics (formerly Invitae), Labcorp
Classification: Uncertain significance. Last evaluated: 2026-01-11. Review status: criteria provided, single submitter. Criteria: Invitae Variant Classification Sherloc (09022015). Collection method: clinical testing. Allele origin: germline.
Comment: This sequence change replaces asparagine, which is neutral and polar, with serine, which is neutral and polar, at codon 1996 of the DCHS1 protein (p.Asn1996Ser). This variant is not present in population databases (gnomAD no frequency). This variant has not been reported in the literature in individuals affected with DCHS1-related conditions. ClinVar contains an entry for this variant (Variation ID: 3005834). Invitae Evidence Modeling of protein sequence and biophysical properties (such as structural, functional, and spatial information, amino acid conservation, physicochemical variation, residue mobility, and thermodynamic stability) indicates that this missense variant is not expected to disrupt DCHS1 protein function with a negative predictive value of 80%. In summary, the available evidence is currently insufficient to determine the role of this variant in disease. Therefore, it has been classified as a Variant of Uncertain Significance.